The following is an entry in ClinVar:

ClinVar aggregate classification (germline): Pathogenic/Likely pathogenic. Review status: criteria provided, multiple submitters, no conflicts (2 of 4 stars). 3 submissions from 3 submitters: Pathogenic (2); Likely pathogenic (1). Last evaluated 2025-08-15.

Conditions:
Primary ciliary dyskinesia 19. Also called: CILIARY DYSKINESIA, PRIMARY, 19, WITH OR WITHOUT SITUS INVERSUS. Identifiers: Orphanet 244, MedGen C3543826, MONDO:0013979, OMIM 614935.
Primary ciliary dyskinesia. Also called: Ciliary dyskinesia. Identifiers: Orphanet 244, MedGen C0008780, MONDO:0016575, HP:0012265.
LRRC6-related disorders.

Allele frequency attached by ClinVar (database versions not stated): gnomAD exomes below 0.00001; gnomAD 0.00001; TOPMed 0.00001.
gnomAD v4.1: 5 of 1,613,306 alleles (0.00031%); highest among the groups gnomAD compares: African/African-American, 0.0013%; no homozygotes.

Submissions (3):

Department of Genetics, Sultan Qaboos University Hospital
Classification: Pathogenic for Primary ciliary dyskinesia. Last evaluated: 2025-08-15. Review status: criteria provided, single submitter. Criteria: ACMG Guidelines, 2015. Collection method: research. Allele origin: germline. Affected: yes.

Blueprint Genetics
Classification: Likely pathogenic for LRRC6-related disorders. Last evaluated: 2021-02-12. Review status: criteria provided, single submitter. Criteria: ACMG Guidelines, 2015. Collection method: clinical testing. Allele origin: germline. Affected: yes. Observed: 1 variant allele.

Labcorp Genetics (formerly Invitae), Labcorp
Classification: Pathogenic for Ciliary dyskinesia, primary, 19. Last evaluated: 2019-03-12. Review status: criteria provided, single submitter. Criteria: Invitae Variant Classification Sherloc (09022015). Collection method: clinical testing. Allele origin: germline.
Comment: This sequence change creates a premature translational stop signal (p.Arg180*) in the LRRC6 gene. It is expected to result in an absent or disrupted protein product. This variant is not present in population databases (ExAC no frequency). This variant has not been reported in the literature in individuals with LRRC6-related conditions. Loss-of-function variants in LRRC6 are known to be pathogenic (PMID: 23122589). For these reasons, this variant has been classified as Pathogenic.

NM_012472.6(DNAAF11):c.538C>T (p.Arg180Ter)

Gene: DNAAF11 (dynein axonemal assembly factor 11; minus strand). Cytogenetic location: 8q24.22.
Variant type: single nucleotide variant.
Coding change: c.538C>T on transcript NM_012472.6 (MANE Select); coding-DNA position 538, C replaced by T.
Protein change: p.Arg180Ter; replaces arginine 180 with a stop codon.
Molecular consequence: nonsense. On other transcripts: non-coding transcript variant (1).
Genome position (GRCh38, 1-based): chr8:132,632,855, G>A on the plus strand (C>T on the coding strand, the complement: DNAAF11 is on the minus strand). VCF-style: chr8-132632855-G-A. GRCh37 (hg19) VCF-style: chr8-133645101-G-A.
Other names: c.538C>T, p.Arg180Ter (NM_001321961.2); c.292C>T, p.Arg98Ter (NM_001321962.2); c.178C>T, p.Arg60Ter (NM_001321963.2, NM_001321964.2, NM_001321965.2 and 1 more transcripts); short protein forms R98*, R180*, R60*.
Identifiers: ClinVar variation 834793 (VCV000834793.3), dbSNP rs979934112, ClinGen allele CA186274930.